The following is an entry in ClinVar:

ClinVar aggregate classification (germline): Likely benign (1 of 4 stars; one submission).

Allele frequency attached by ClinVar (database versions not stated): 1000 Genomes Project 0.00180; 1000 Genomes Project 30x 0.00187; TOPMed 0.00459; gnomAD 0.00652 and 0.00724; gnomAD exomes 0.00753.
gnomAD v4.1: 2,886 of 399,124 alleles (0.72%); highest among the groups gnomAD compares: Non-Finnish European, 0.79%; 15 homozygotes.

Submission:

CeGaT Center for Human Genetics Tuebingen
Classification: Likely benign. Last evaluated: 2023-06-01. Review status: criteria provided, single submitter. Criteria: CeGaT Center For Human Genetics Tuebingen Variant Classification Criteria Version 2. Collection method: clinical testing. Allele origin: germline. Affected: yes. Observed: 10 variant alleles.
Comment: USP7: BS1

NC_000016.10:g.8884346G>A

Genes: LITAFD (LITAF domain containing; plus strand), USP7 (ubiquitin specific peptidase 7; minus strand). Cytogenetic location: 16p13.2.
Variant type: single nucleotide variant.
Genome position: GRCh38 VCF-style: chr16-8884346-G-A. GRCh37 (hg19) VCF-style: chr16-8978203-G-A.
Identifiers: ClinVar variation 1675613 (VCV001675613.33), dbSNP rs149150494, ClinGen allele CA277490816.